The following is an entry in ClinVar:

ClinVar aggregate classification (germline): Uncertain significance (1 of 4 stars; one submission).

Conditions:
Hereditary cancer-predisposing syndrome. Also called: Tumor predisposition; Hereditary Cancer Syndrome; Hereditary neoplastic syndrome; Neoplastic Syndromes, Hereditary. Identifiers: Orphanet 140162, MedGen C0027672, MeSH D009386, MONDO:0015356.

Submission:

Ambry Genetics
Classification: Uncertain significance for Hereditary cancer-predisposing syndrome. Last evaluated: 2025-09-18. Review status: criteria provided, single submitter. Criteria: Ambry Variant Classification Scheme 2023. Collection method: clinical testing. Allele origin: germline.
Comment: The p.L447Q variant (also known as c.1340T>A), located in coding exon 4 of the MSH6 gene, results from a T to A substitution at nucleotide position 1340. The leucine at codon 447 is replaced by glutamine, an amino acid with dissimilar properties. This amino acid position is highly conserved in available vertebrate species. In addition, this alteration is predicted to be deleterious by in silico analysis. Since supporting evidence is limited at this time, the clinical significance of this alteration remains unclear.

NM_000179.3(MSH6):c.1340T>A (p.Leu447Gln)

Gene: MSH6 (mutS homolog 6; plus strand). Cytogenetic location: 2p16.3.
Variant type: single nucleotide variant.
Coding change: c.1340T>A on transcript NM_000179.3 (MANE Select); coding-DNA position 1340, T replaced by A.
Protein change: p.Leu447Gln; replaces leucine 447 with glutamine.
Molecular consequence: missense variant.
Genome position (GRCh38, 1-based): chr2:47,799,323, T>A. VCF-style: chr2-47799323-T-A. GRCh37 (hg19) VCF-style: chr2-48026462-T-A.
Other names: c.950T>A, p.Leu317Gln (NM_001281492.2); c.434T>A, p.Leu145Gln (NM_001281493.2, NM_001281494.2); short protein forms L447Q, L145Q, L317Q.
Identifiers: ClinVar variation 485885 (VCV000485885.7), dbSNP rs1553412768, ClinGen allele CA346744584.
Genomic context (GRCh38, chr2:47,799,323, plus strand): 5'-ACAAGGTGGGGAAATTTTATGAGCTGTACCACATGGATGCTCTTATTGGAGTCAGTGAAC[T>A]GGGGCTGGTATTCATGAAAGGCAACTGGGCCCATTCTGGCTTTCCTGAAATTGCATTTGG-3'
Protein context (NP_000170.1, residues 437-457): HMDALIGVSE[Leu447Gln]GLVFMKGNWA